The following is an entry in ClinVar:

NM_004656.4(BAP1):c.755G>T (p.Arg252Leu)

Gene: BAP1 (BRCA1 associated deubiquitinase 1; minus strand). Cytogenetic location: 3p21.1.
Variant type: single nucleotide variant.
Coding change: c.755G>T on transcript NM_004656.4 (MANE Select); coding-DNA position 755, G replaced by T.
Protein change: p.Arg252Leu; replaces arginine 252 with leucine.
Molecular consequence: missense variant.
Genome position (GRCh38, 1-based): chr3:52,406,281, C>A on the plus strand (G>T on the coding strand, the complement: BAP1 is on the minus strand). VCF-style: chr3-52406281-C-A. GRCh37 (hg19) VCF-style: chr3-52440297-C-A.
Other names: c.701G>T, p.Arg234Leu (NM_001410772.1); short protein forms R234L, R252L.
Identifiers: ClinVar variation 3819398 (VCV003819398.1).
Genomic context (GRCh38, chr3:52,406,281, plus strand): 5'-CTGGGCAGAGGCCAGGAAGAAAGGGCACCTACCTGCTGCAGAGCCTCTAGTACTGTCTGA[C>A]GGTTCACCTTCAGCACATGCAGCCTGGCCTCATACTTGATCCTGCGGTCGGGCACCACTG-3'
Protein context (NP_004647.1, residues 242-262): EARLHVLKVN[Arg252Leu]QTVLEALQQL

ClinVar aggregate classification (germline): Uncertain significance (1 of 4 stars; one submission).

Conditions:
Hereditary cancer-predisposing syndrome. Also called: Hereditary neoplastic syndrome; Neoplastic Syndromes, Hereditary; Tumor predisposition; Hereditary Cancer Syndrome. Identifiers: Orphanet 140162, MedGen C0027672, MeSH D009386, MONDO:0015356.

Submission:

Ambry Genetics
Classification: Uncertain significance for Hereditary cancer-predisposing syndrome. Last evaluated: 2025-03-10. Review status: criteria provided, single submitter. Criteria: Ambry Variant Classification Scheme 2023. Collection method: clinical testing. Allele origin: germline.
Comment: The p.R252L variant (also known as c.755G>T), located in coding exon 9 of the BAP1 gene, results from a G to T substitution at nucleotide position 755. The arginine at codon 252 is replaced by leucine, an amino acid with dissimilar properties. This amino acid position is conserved. In addition, this alteration is predicted to be deleterious by in silico analysis. Based on the available evidence, the clinical significance of this variant remains unclear.